The following is an entry in ClinVar:

NM_004415.4(DSP):c.4476del (p.Glu1493fs)

Gene: DSP (desmoplakin; plus strand). Cytogenetic location: 6p24.3.
Variant type: Deletion.
Coding change: c.4476del on transcript NM_004415.4 (MANE Select); coding-DNA position 4476, one base deleted (A; older notation c.4476delA).
Protein change: p.Glu1493fs; shifts the reading frame from glutamic acid 1493.
Molecular consequence: frameshift variant. On other transcripts: intron variant (2).
Genome position (GRCh38, 1-based): chr6:7,580,666, A deleted; the last of 3 consecutive A bases (chr6:7,580,664-7,580,666); deleting any one gives the same sequence. VCF-style (leftmost placement, unchanged base first): chr6-7580663-CA-C. GRCh37 (hg19) VCF-style: chr6-7580896-CA-C.
Other names: c.4050+426del (NM_001319034.2); c.3582+894del (NM_001008844.3); short protein forms E1493fs.
Identifiers: ClinVar variation 3258075 (VCV003258075.1).

ClinVar aggregate classification (germline): Likely pathogenic (1 of 4 stars; one submission).

Conditions:
Arrhythmogenic right ventricular dysplasia 8 (ARVD8). Also called: ARRHYTHMOGENIC RIGHT VENTRICULAR DYSPLASIA, FAMILIAL, 8; ARRHYTHMOGENIC RIGHT VENTRICULAR CARDIOMYOPATHY 8; Arrhythmogenic Right Ventricular Dysplasia/Cardiomyopathy 8. Identifiers: MedGen C1843896, MONDO:0011831, OMIM 607450.

Submission:

KardioGenetik, Herz- und Diabeteszentrum NRW
Classification: Likely pathogenic for Arrhythmogenic right ventricular dysplasia 8. Last evaluated: 2024-06-14. Review status: criteria provided, single submitter. Criteria: ACMG Guidelines, 2015. Collection method: clinical testing. Allele origin: unknown. Affected: yes. Observed: 1 variant allele.
Comment: ACMG criteria applied: PVS1, PM2_supporting